The following is an entry in ClinVar:

NM_020975.6(RET):c.2730+3G>A

Gene: RET (ret proto-oncogene; plus strand). Cytogenetic location: 10q11.21.
Variant type: single nucleotide variant.
Coding change: c.2730+3G>A on transcript NM_020975.6 (MANE Select); 3 bases into the intron after coding-DNA position 2730, G replaced by A.
Molecular consequence: intron variant.
Genome position (GRCh38, 1-based): chr10:43,120,206, G>A. VCF-style: chr10-43120206-G-A. GRCh37 (hg19) VCF-style: chr10-43615654-G-A.
Other names: c.2292+3G>A (NM_001406771.1, NM_001406773.1); c.1833+3G>A (NM_001406782.1, NM_001406780.1, NM_001406779.1 and 1 more transcripts); c.1698+3G>A (NM_001406787.1); c.1713+3G>A (NM_001406785.1); c.2601+3G>A (NM_001406764.1, NM_001406762.1, NM_001406761.1); c.2730+3G>A (NM_020630.7, NM_001406743.1, NM_001406744.1 and 2 more transcripts); c.2595+3G>A (NM_001406765.1, NM_001406763.1); c.2334+3G>A (NM_001406772.1, NM_001406769.1); and 10 more.
Identifiers: ClinVar variation 3699244 (VCV003699244.2).

ClinVar aggregate classification (germline): Uncertain significance (1 of 4 stars; one submission).

Conditions:
Multiple endocrine neoplasia, type 2 (MEN2). Identifiers: Orphanet 653, MedGen C4048306, MONDO:0019003. Disease mechanism: gain of function.

Submission:

Labcorp Genetics (formerly Invitae), Labcorp
Classification: Uncertain significance for Multiple endocrine neoplasia, type 2. Last evaluated: 2024-10-13. Review status: criteria provided, single submitter. Criteria: Invitae Variant Classification Sherloc (09022015). Collection method: clinical testing. Allele origin: germline.
Comment: This sequence change falls in intron 15 of the RET gene. It does not directly change the encoded amino acid sequence of the RET protein. It affects a nucleotide within the consensus splice site. This variant is not present in population databases (gnomAD no frequency). This variant has not been reported in the literature in individuals affected with RET-related conditions. Variants that disrupt the consensus splice site are a relatively common cause of aberrant splicing (PMID: 17576681, 9536098). Algorithms developed to predict the effect of sequence changes on RNA splicing suggest that this variant is not likely to affect RNA splicing. In summary, the available evidence is currently insufficient to determine the role of this variant in disease. Therefore, it has been classified as a Variant of Uncertain Significance.

Literature cited by the submitters: PubMed 17576681; PubMed 9536098.